The following is an entry in ClinVar:

ClinVar aggregate classification (germline): Uncertain significance (1 of 4 stars; one submission).

Conditions:
Hereditary breast ovarian cancer syndrome. Also called: Breast and ovarian cancer; BRCA1- and BRCA2-Associated Hereditary Breast and Ovarian Cancer; Hereditary breast and ovarian cancer; Hereditary breast and ovarian cancer syndrome (HBOC); Hereditary breast and/or ovarian cancer syndrome; Hereditary breast and ovarian cancer syndrome. Identifiers: Orphanet 145, MedGen C0677776, MeSH D061325, MONDO:0003582. Disease mechanism: loss of function.

Submission:

Labcorp Genetics (formerly Invitae), Labcorp
Classification: Uncertain significance for Hereditary breast ovarian cancer syndrome. Last evaluated: 2025-12-10. Review status: criteria provided, single submitter. Criteria: Invitae Variant Classification Sherloc (09022015). Collection method: clinical testing. Allele origin: germline.
Comment: This sequence change replaces glutamine, which is neutral and polar, with glutamic acid, which is acidic and polar, at codon 202 of the BRCA1 protein (p.Gln202Glu). This variant is not present in population databases (gnomAD no frequency). This variant has not been reported in the literature in individuals affected with BRCA1-related conditions. Invitae Evidence Modeling of protein sequence and biophysical properties (such as structural, functional, and spatial information, amino acid conservation, physicochemical variation, residue mobility, and thermodynamic stability) indicates that this missense variant is not expected to disrupt BRCA1 protein function with a negative predictive value of 80%. In summary, the available evidence is currently insufficient to determine the role of this variant in disease. Therefore, it has been classified as a Variant of Uncertain Significance.

NM_007294.4(BRCA1):c.604C>G (p.Gln202Glu)

Gene: BRCA1 (BRCA1 DNA repair associated; minus strand). Cytogenetic location: 17q21.31.
Variant type: single nucleotide variant.
Coding change: c.604C>G on transcript NM_007294.4 (MANE Select); coding-DNA position 604, C replaced by G.
Protein change: p.Gln202Glu; replaces glutamine 202 with glutamic acid.
Molecular consequence: missense variant. On other transcripts: intron variant (115).
Genome position (GRCh38, 1-based): chr17:43,095,912, G>C on the plus strand (C>G on the coding strand, the complement: BRCA1 is on the minus strand). VCF-style: chr17-43095912-G-C. GRCh37 (hg19) VCF-style: chr17-41247929-G-C.
Other names: c.391C>G, p.Gln131Glu (NM_001407571.1, NM_001407853.1, NM_001407894.1 and 12 more transcripts); c.604C>G, p.Gln202Glu (NM_001407581.1, NM_001407582.1, NM_001407583.1 and 58 more transcripts); c.601C>G, p.Gln201Glu (NM_001407587.1, NM_001407590.1, NM_001407591.1 and 41 more transcripts); c.595C>G, p.Gln199Glu (NM_001407646.1, NM_001407647.1, NM_001408408.1); c.526C>G, p.Gln176Glu (NM_001407653.1, NM_001407654.1, NM_001407655.1 and 9 more transcripts); c.523C>G, p.Gln175Glu (NM_001407659.1, NM_001407660.1, NM_001407661.1 and 3 more transcripts); c.463C>G, p.Gln155Glu (NM_001407692.1, NM_001407694.1, NM_001407695.1 and 43 more transcripts); c.460C>G, p.Gln154Glu (NM_001407740.1, NM_001407741.1, NM_001407742.1 and 26 more transcripts); and 17 more; short protein forms Q131E, Q132E, Q176E, Q199E, Q201E, Q154E, Q157E, Q175E.
Identifiers: ClinVar variation 4765772 (VCV004765772.1).